The following is an entry in ClinVar:

NM_003924.4(PHOX2B):c.39C>T (p.Ala13=)

Genes: PHOX2B (paired like homeobox 2B; minus strand), PHOX2B-AS1 (PHOX2B antisense RNA 1; plus strand). Cytogenetic location: 4p13.
Variant type: single nucleotide variant.
Coding change: c.39C>T on transcript NM_003924.4 (MANE Select); coding-DNA position 39, C replaced by T.
Protein change: p.Ala13=; no amino-acid change (alanine 13 retained).
Molecular consequence: synonymous variant.
Genome position (GRCh38, 1-based): chr4:41,748,572, G>A on the plus strand (C>T on the coding strand, the complement: PHOX2B is on the minus strand). VCF-style: chr4-41748572-G-A. GRCh37 (hg19) VCF-style: chr4-41750589-G-A.
Identifiers: ClinVar variation 535782 (VCV000535782.15), dbSNP rs748767112, ClinGen allele CA2901617.

ClinVar aggregate classification (germline): Conflicting classifications of pathogenicity. Review status: criteria provided, conflicting classifications (1 of 4 stars). 3 submissions from 3 submitters: Uncertain significance (1); Likely benign (2). Last evaluated 2024-10-29.

Conditions:
Hereditary cancer-predisposing syndrome. Also called: Neoplastic Syndromes, Hereditary; Tumor predisposition; Hereditary Cancer Syndrome; Hereditary neoplastic syndrome. Identifiers: Orphanet 140162, MedGen C0027672, MeSH D009386, MONDO:0015356.
Haddad syndrome (OHD). Also called: Ondine-Hirschsprung disease. Identifiers: Orphanet 99803, MedGen C1859049, MONDO:0020493.

Allele frequency attached by ClinVar (database versions not stated): gnomAD 0.00001.
gnomAD v4.1: 32 of 1,613,206 alleles (0.002%); highest among the groups gnomAD compares: Non-Finnish European, 0.0025%; no homozygotes.

Submissions (3):

GeneDx
Classification: Uncertain significance. Last evaluated: 2024-10-29. Review status: criteria provided, single submitter. Criteria: GeneDx Variant Classification Process June 2021. Collection method: clinical testing. Allele origin: germline. Affected: yes.
Comment: Not observed at significant frequency in large population cohorts (gnomAD); In silico analysis indicates that this variant does not alter splicing; Has not been previously published as pathogenic or benign to our knowledge

Labcorp Genetics (formerly Invitae), Labcorp
Classification: Likely benign for Haddad syndrome. Last evaluated: 2024-09-30. Review status: criteria provided, single submitter. Criteria: Invitae Variant Classification Sherloc (09022015). Collection method: clinical testing. Allele origin: germline.

Ambry Genetics
Classification: Likely benign for Hereditary cancer-predisposing syndrome. Last evaluated: 2022-08-30. Review status: criteria provided, single submitter. Criteria: Ambry Variant Classification Scheme 2023. Collection method: clinical testing. Allele origin: germline.